The following is an entry in ClinVar:

NM_001368882.1(COL13A1):c.1136G>A (p.Gly379Glu)

Gene: COL13A1 (collagen type XIII alpha 1 chain; plus strand). Cytogenetic location: 10q22.1.
Variant type: single nucleotide variant.
Coding change: c.1136G>A on transcript NM_001368882.1 (MANE Select); coding-DNA position 1136, G replaced by A.
Protein change: p.Gly379Glu; replaces glycine 379 with glutamic acid.
Molecular consequence: missense variant.
Genome position (GRCh38, 1-based): chr10:69,921,928, G>A. VCF-style: chr10-69921928-G-A. GRCh37 (hg19) VCF-style: chr10-71681684-G-A.
Other names: c.1103G>A, p.Gly368Glu (NM_001130103.2); c.1073G>A, p.Gly358Glu (NM_001320951.2, NM_001368884.1); c.1100G>A, p.Gly367Glu (NM_001368883.1); c.1037G>A, p.Gly346Glu (NM_001368885.1, NM_080801.4, NM_080802.4); c.473G>A, p.Gly158Glu (NM_001368886.1); c.1046G>A, p.Gly349Glu (NM_001368895.1, NM_080800.4); c.932G>A, p.Gly311Glu (NM_001368896.1, NM_001368898.1, NM_080798.4); c.959G>A, p.Gly320Glu (NM_001368897.1); and 1 more; short protein forms G158E, G311E, G317E, G320E, G346E, G349E, G358E, G367E.
Identifiers: ClinVar variation 3356183 (VCV003356183.1).

ClinVar aggregate classification (germline): Uncertain significance (0 of 4 stars; one submission).

Conditions:
COL13A1-related disorder. Also called: COL13A1-related condition.

gnomAD v4.1: 12 of 1,605,158 alleles (0.00075%); highest among the groups gnomAD compares: Non-Finnish European, 0.00043%; no homozygotes.

Submission:

PreventionGenetics, part of Exact Sciences
Classification: Uncertain significance for COL13A1-related condition. Last evaluated: 2024-08-06. Review status: no assertion criteria provided. Collection method: clinical testing. Allele origin: germline.
Comment: The COL13A1 c.1103G>A variant is predicted to result in the amino acid substitution p.Gly368Glu. To our knowledge, this variant has not been reported in the literature. This variant is reported in 0.010% of alleles in individuals of Ashkenazi Jewish descent in gnomAD. At this time, the clinical significance of this variant is uncertain due to the absence of conclusive functional and genetic evidence.